The following is an entry in ClinVar:

NM_007118.4(TRIO):c.374C>A (p.Thr125Lys)

Gene: TRIO (trio Rho guanine nucleotide exchange factor; plus strand). Cytogenetic location: 5p15.2.
Variant type: single nucleotide variant.
Coding change: c.374C>A on transcript NM_007118.4 (MANE Select); coding-DNA position 374, C replaced by A.
Protein change: p.Thr125Lys; replaces threonine 125 with lysine.
Molecular consequence: missense variant. On other transcripts: non-coding transcript variant (1).
Genome position (GRCh38, 1-based): chr5:14,286,897, C>A. VCF-style: chr5-14286897-C-A. GRCh37 (hg19) VCF-style: chr5-14287006-C-A.
Other names: c.374C>A (NM_007118.3); short protein forms T125K.
Identifiers: ClinVar variation 3375658 (VCV003375658.2).

ClinVar aggregate classification (germline): Uncertain significance. Review status: criteria provided, multiple submitters, no conflicts (2 of 4 stars). 2 submissions from 2 submitters: Uncertain significance (2). Last evaluated 2024-05-10.

Conditions:
Intellectual developmental disorder, autosomal dominant 44, with microcephaly. Also called: TRIO-Related Intellectual Disability; Micrognathia-recurrent infections-behavioral abnormalities-mild intellectual disability syndrome. Identifiers: Orphanet 476126, MedGen C4310740, MONDO:0014892, OMIM 617061.

Submissions (2):

GeneDx
Classification: Uncertain significance. Last evaluated: 2024-05-10. Review status: criteria provided, single submitter. Criteria: GeneDx Variant Classification Process June 2021. Collection method: clinical testing. Allele origin: germline. Affected: yes.
Comment: Not observed at significant frequency in large population cohorts (gnomAD); In silico analysis supports that this missense variant has a deleterious effect on protein structure/function; Has not been previously published as pathogenic or benign to our knowledge

University of Washington Department of Laboratory Medicine, University of Washington
Classification: Uncertain significance for Intellectual developmental disorder, autosomal dominant 44, with microcephaly. Last evaluated: 2023-09-20. Review status: criteria provided, single submitter. Criteria: ACMG Guidelines, 2015. Collection method: clinical testing. Allele origin: de novo. Affected: yes.
Comment: This variant was absent from large population databases, including the Genome Aggregation Database. The TRIO gene has fewer missense variants in the general population than expected. A low rate of missense variation may suggest that this gene is intolerant to missense variation. In silico tools predict that the p.Thr125Lys variant is deleterious; however, these predictions have not been tested directly. Using ACMG guidelines, this variant was classified as a variant of uncertain significance (ACMG evidence codes used: PS2_moderate, PM2_supporting, PP2, PP3).